The following is an entry in ClinVar:

NM_004629.2(FANCG):c.517G>A (p.Ala173Thr)

Gene: FANCG (FA complementation group G; minus strand). Cytogenetic location: 9p13.3.
Variant type: single nucleotide variant.
Coding change: c.517G>A on transcript NM_004629.2 (MANE Select); coding-DNA position 517, G replaced by A.
Protein change: p.Ala173Thr; replaces alanine 173 with threonine.
Molecular consequence: missense variant.
Genome position (GRCh38, 1-based): chr9:35,077,393, C>T on the plus strand (G>A on the coding strand, the complement: FANCG is on the minus strand). VCF-style: chr9-35077393-C-T. GRCh37 (hg19) VCF-style: chr9-35077390-C-T.
Other names: short protein forms A173T.
Identifiers: ClinVar variation 2085419 (VCV002085419.3), dbSNP rs1829105012, ClinGen allele CA373314230.
Genomic context (GRCh38, chr9:35,077,393, plus strand): 5'-CATCTAATTCCTCAGCTGGGGGACTCCAAGTTTTCAGAAGTAACAGCAGATCCTTAGAGG[C>T]TCCACTCTGGGGAAAGAAGGACAACCAGAAGCTCCAAGCCTACAACCTCCTCGTCTTCTC-3'
Protein context (NP_004620.1, residues 163-183): LETLNGSQSG[Ala173Thr]SKDLLLLLKT

ClinVar aggregate classification (germline): Uncertain significance. Review status: criteria provided, multiple submitters, no conflicts (2 of 4 stars). 2 submissions from 2 submitters: Uncertain significance (2). Last evaluated 2025-01-15.

Conditions:
Fanconi anemia (FA). Also called: Fanconi's anemia. Identifiers: Orphanet 84, MedGen C0015625, MeSH D005199, MONDO:0019391.
Inborn genetic diseases. Identifiers: MedGen C0950123, MeSH D030342.

Allele frequency attached by ClinVar (database versions not stated): gnomAD exomes below 0.00001; TOPMed below 0.00001.
gnomAD v4.1: 2 of 1,614,128 alleles (0.00012%); highest among the groups gnomAD compares: Non-Finnish European, 0.00017%; no homozygotes.

Submissions (2):

Ambry Genetics
Classification: Uncertain significance for Inborn genetic diseases. Last evaluated: 2025-01-15. Review status: criteria provided, single submitter. Criteria: Ambry Variant Classification Scheme 2023. Collection method: clinical testing. Allele origin: germline.
Comment: The p.A173T variant (also known as c.517G>A), located in coding exon 5 of the FANCG gene, results from a G to A substitution at nucleotide position 517. The alanine at codon 173 is replaced by threonine, an amino acid with similar properties. This amino acid position is conserved. In addition, this alteration is predicted to be tolerated by in silico analysis. Based on the available evidence, the clinical significance of this variant remains unclear.

Labcorp Genetics (formerly Invitae), Labcorp
Classification: Uncertain significance for Fanconi anemia. Last evaluated: 2022-08-29. Review status: criteria provided, single submitter. Criteria: Invitae Variant Classification Sherloc (09022015). Collection method: clinical testing. Allele origin: germline.
Comment: This sequence change replaces alanine, which is neutral and non-polar, with threonine, which is neutral and polar, at codon 173 of the FANCG protein (p.Ala173Thr). This variant is not present in population databases (gnomAD no frequency). This variant has not been reported in the literature in individuals affected with FANCG-related conditions. Algorithms developed to predict the effect of missense changes on protein structure and function output the following: SIFT: "Tolerated"; PolyPhen-2: "Benign"; Align-GVGD: "Class C0". The threonine amino acid residue is found in multiple mammalian species, which suggests that this missense change does not adversely affect protein function. In summary, the available evidence is currently insufficient to determine the role of this variant in disease. Therefore, it has been classified as a Variant of Uncertain Significance.